The following is an entry in ClinVar:

ClinVar aggregate classification (germline): Conflicting classifications of pathogenicity. Review status: criteria provided, conflicting classifications (1 of 4 stars). 3 submissions from 3 submitters: Uncertain significance (2); Likely benign (1). Last evaluated 2024-09-10.

Conditions:
Inborn genetic diseases. Identifiers: MedGen C0950123, MeSH D030342.

Allele frequency attached by ClinVar (database versions not stated): ExAC 0.00003; gnomAD exomes 0.00005; gnomAD 0.00006; TOPMed 0.00009; ESP Exome Variant Server 0.00015.
gnomAD v4.1: 282 of 1,584,842 alleles (0.018%); highest among the groups gnomAD compares: Non-Finnish European, 0.022%; no homozygotes.

Submissions (3):

Blueprint Genetics
Classification: Likely benign. Last evaluated: 2024-09-10. Review status: criteria provided, single submitter. Criteria: ACMG Guidelines, 2015. Collection method: clinical testing. Allele origin: germline.

Labcorp Genetics (formerly Invitae), Labcorp
Classification: Uncertain significance. Last evaluated: 2024-02-24. Review status: criteria provided, single submitter. Criteria: Invitae Variant Classification Sherloc (09022015). Collection method: clinical testing. Allele origin: germline.
Comment: This sequence change falls in intron 7 of the PLK4 gene. It does not directly change the encoded amino acid sequence of the PLK4 protein. It affects a nucleotide within the consensus splice site. This variant is present in population databases (rs200149458, gnomAD 0.009%). This variant has not been reported in the literature in individuals affected with PLK4-related conditions. ClinVar contains an entry for this variant (Variation ID: 862584). Variants that disrupt the consensus splice site are a relatively common cause of aberrant splicing (PMID: 17576681, 9536098). Algorithms developed to predict the effect of sequence changes on RNA splicing suggest that this variant is not likely to affect RNA splicing. In summary, the available evidence is currently insufficient to determine the role of this variant in disease. Therefore, it has been classified as a Variant of Uncertain Significance.

Ambry Genetics
Classification: Uncertain significance for Inborn genetic diseases. Last evaluated: 2022-06-02. Review status: criteria provided, single submitter. Criteria: Ambry Variant Classification Scheme 2023. Collection method: clinical testing. Allele origin: germline.
Comment: The c.1830+4T>A intronic alteration consists of a T to A substitution 4 nucleotides after exon 7 of the PLK4 gene. Based on insufficient or conflicting evidence, the clinical significance of this alteration remains unclear.

Literature cited by the submitters: PubMed 17576681 (cited by Labcorp Genetics (formerly Invitae), Labcorp); PubMed 9536098 (cited by Labcorp Genetics (formerly Invitae), Labcorp).

NM_014264.5(PLK4):c.1830+4T>A

Gene: PLK4 (polo like kinase 4; plus strand). Cytogenetic location: 4q28.1.
Variant type: single nucleotide variant.
Coding change: c.1830+4T>A on transcript NM_014264.5 (MANE Select); 4 bases into the intron after coding-DNA position 1830, T replaced by A.
Molecular consequence: intron variant.
Genome position (GRCh38, 1-based): chr4:127,890,240, T>A. VCF-style: chr4-127890240-T-A. GRCh37 (hg19) VCF-style: chr4-128811395-T-A.
Other names: c.1734+4T>A (NM_001190799.2); c.1707+4T>A (NM_001190801.2).
Identifiers: ClinVar variation 862584 (VCV000862584.6), dbSNP rs200149458, ClinGen allele CA3076847.